The following is an entry in ClinVar:

NM_006914.4(RORB):c.1229T>C (p.Ile410Thr)

Gene: RORB (RAR related orphan receptor B; plus strand). Cytogenetic location: 9q21.13.
Variant type: single nucleotide variant.
Coding change: c.1229T>C on transcript NM_006914.4 (MANE Select); coding-DNA position 1229, T replaced by C.
Protein change: p.Ile410Thr; replaces isoleucine 410 with threonine.
Molecular consequence: missense variant.
Genome position (GRCh38, 1-based): chr9:74,685,467, T>C. VCF-style: chr9-74685467-T-C. GRCh37 (hg19) VCF-style: chr9-77300383-T-C.
Other names: c.1262T>C, p.Ile421Thr (NM_001365023.1); short protein forms I421T, I410T.
Identifiers: ClinVar variation 2778830 (VCV002778830.3), dbSNP rs1262408980, ClinGen allele CA373772432.

ClinVar aggregate classification (germline): Uncertain significance (1 of 4 stars; one submission).

Allele frequency attached by ClinVar (database versions not stated): gnomAD 0.00001; gnomAD exomes 0.00001; TOPMed 0.00001.
gnomAD v4.1: 10 of 1,608,528 alleles (0.00062%); highest among the groups gnomAD compares: African/African-American, 0.0013%; no homozygotes.

Submission:

Labcorp Genetics (formerly Invitae), Labcorp
Classification: Uncertain significance. Last evaluated: 2023-08-29. Review status: criteria provided, single submitter. Criteria: Invitae Variant Classification Sherloc (09022015). Collection method: clinical testing. Allele origin: germline.
Comment: An algorithm developed to predict the effect of missense changes on protein structure and function (PolyPhen-2) suggests that this variant is likely to be tolerated. In summary, the available evidence is currently insufficient to determine the role of this variant in disease. Therefore, it has been classified as a Variant of Uncertain Significance. This variant has not been reported in the literature in individuals affected with RORB-related conditions. This sequence change replaces isoleucine, which is neutral and non-polar, with threonine, which is neutral and polar, at codon 410 of the RORB protein (p.Ile410Thr). This variant is not present in population databases (gnomAD no frequency).